The following is an entry in ClinVar:

NM_019032.6(ADAMTSL4):c.2702G>A (p.Arg901His)

Gene: ADAMTSL4 (ADAMTS like 4; plus strand). Cytogenetic location: 1q21.2.
Variant type: single nucleotide variant.
Coding change: c.2702G>A on transcript NM_019032.6 (MANE Select); coding-DNA position 2702, G replaced by A.
Protein change: p.Arg901His; replaces arginine 901 with histidine.
Molecular consequence: missense variant.
Genome position (GRCh38, 1-based): chr1:150,559,104, G>A. VCF-style: chr1-150559104-G-A. GRCh37 (hg19) VCF-style: chr1-150531580-G-A.
Other names: c.2702G>A (NM_019032.4); c.2585G>A, p.Arg862His (NM_001288607.2); c.2771G>A, p.Arg924His (NM_001288608.2); c.2702G>A, p.Arg901His (NM_001378596.1); short protein forms R862H, R901H, R924H.
Identifiers: ClinVar variation 1408708 (VCV001408708.5), dbSNP rs146323215, ClinGen allele CA1078808.

ClinVar aggregate classification (germline): Uncertain significance. Review status: criteria provided, multiple submitters, no conflicts (2 of 4 stars). 4 submissions from 3 submitters: Uncertain significance (4). Last evaluated 2025-08-01.

Conditions:
Inborn genetic diseases. Identifiers: MedGen C0950123, MeSH D030342.
Ectopia lentis et pupillae. Also called: ECTOPIA LENTIS WITH ECTOPIA OF PUPIL. Identifiers: Orphanet 1885, MedGen C1644196, MONDO:0009153, OMIM 225200.
Ectopia lentis 2, isolated, autosomal recessive (ECTOL2). Identifiers: Orphanet 1885, MedGen C3541474, MONDO:0009152, OMIM 225100.

Allele frequency attached by ClinVar (database versions not stated): gnomAD exomes 0.00010 and 0.00014; ExAC 0.00019; gnomAD 0.00050; ESP Exome Variant Server 0.00054; TOPMed 0.00056; 1000 Genomes Project 30x 0.00078; 1000 Genomes Project 0.00080.
gnomAD v4.1: 227 of 1,612,768 alleles (0.014%); highest among the groups gnomAD compares: African/African-American, 0.16%; no homozygotes.

Submissions (4):

Ambry Genetics
Classification: Uncertain significance for Inborn genetic diseases. Last evaluated: 2025-08-01. Review status: criteria provided, single submitter. Criteria: Ambry Variant Classification Scheme 2023. Collection method: clinical testing. Allele origin: germline.

Genome-Nilou Lab
Classification: Uncertain significance for Ectopia lentis et pupillae. Last evaluated: 2023-04-11. Review status: criteria provided, single submitter. Criteria: ACMG Guidelines, 2015. Collection method: clinical testing. Allele origin: germline. Affected: no.

Genome-Nilou Lab
Classification: Uncertain significance for Ectopia lentis 2, isolated, autosomal recessive. Last evaluated: 2023-04-11. Review status: criteria provided, single submitter. Criteria: ACMG Guidelines, 2015. Collection method: clinical testing. Allele origin: germline. Affected: no.

Labcorp Genetics (formerly Invitae), Labcorp
Classification: Uncertain significance. Last evaluated: 2022-10-13. Review status: criteria provided, single submitter. Criteria: Invitae Variant Classification Sherloc (09022015). Collection method: clinical testing. Allele origin: germline.
Comment: This sequence change replaces arginine, which is basic and polar, with histidine, which is basic and polar, at codon 901 of the ADAMTSL4 protein (p.Arg901His). This variant is present in population databases (rs146323215, gnomAD 0.1%). This variant has not been reported in the literature in individuals affected with ADAMTSL4-related conditions. ClinVar contains an entry for this variant (Variation ID: 1408708). Advanced modeling of protein sequence and biophysical properties (such as structural, functional, and spatial information, amino acid conservation, physicochemical variation, residue mobility, and thermodynamic stability) performed at Invitae indicates that this missense variant is expected to disrupt ADAMTSL4 protein function. In summary, the available evidence is currently insufficient to determine the role of this variant in disease. Therefore, it has been classified as a Variant of Uncertain Significance.